The following is an entry in ClinVar:

NM_002485.5(NBN):c.1309C>G (p.Pro437Ala)

Gene: NBN (nibrin; minus strand). Cytogenetic location: 8q21.3.
Variant type: single nucleotide variant.
Coding change: c.1309C>G on transcript NM_002485.5 (MANE Select); coding-DNA position 1309, C replaced by G.
Protein change: p.Pro437Ala; replaces proline 437 with alanine.
Molecular consequence: missense variant.
Genome position (GRCh38, 1-based): chr8:89,955,371, G>C on the plus strand (C>G on the coding strand, the complement: NBN is on the minus strand). VCF-style: chr8-89955371-G-C. GRCh37 (hg19) VCF-style: chr8-90967599-G-C.
Other names: c.1063C>G, p.Pro355Ala (NM_001024688.3, NM_001440379.1, NM_001440380.1); short protein forms P355A, P437A.
Identifiers: ClinVar variation 5025411 (VCV005025411.1).

ClinVar aggregate classification (germline): Uncertain significance (1 of 4 stars; one submission).

Conditions:
Hereditary cancer-predisposing syndrome. Also called: Neoplastic Syndromes, Hereditary; Tumor predisposition; Hereditary neoplastic syndrome; Hereditary Cancer Syndrome. Identifiers: Orphanet 140162, MedGen C0027672, MeSH D009386, MONDO:0015356.

Submission:

Ambry Genetics
Classification: Uncertain significance for Hereditary cancer-predisposing syndrome. Last evaluated: 2026-07-07. Review status: criteria provided, single submitter. Criteria: Ambry Variant Classification Scheme 2023. Collection method: clinical testing. Allele origin: germline.
Comment: The p.P437A variant (also known as c.1309C>G), located in coding exon 10 of the NBN gene, results from a C to G substitution at nucleotide position 1309. The proline at codon 437 is replaced by alanine, an amino acid with highly similar properties. This amino acid position is conserved. In addition, this alteration is predicted to be tolerated by in silico analysis. Based on the available evidence, the clinical significance of this variant remains unclear.